The following is an entry in ClinVar:

NM_014629.4(ARHGEF10):c.1822-4C>G

Gene: ARHGEF10 (Rho guanine nucleotide exchange factor 10; plus strand). Cytogenetic location: 8p23.3.
Variant type: single nucleotide variant.
Coding change: c.1822-4C>G on transcript NM_014629.4 (MANE Select); 4 bases into the intron before coding-DNA position 1822, C replaced by G.
Molecular consequence: intron variant.
Genome position (GRCh38, 1-based): chr8:1,905,567, C>G. VCF-style: chr8-1905567-C-G. GRCh37 (hg19) VCF-style: chr8-1853733-C-G.
Other names: c.1705-4C>G (NM_001438092.1, NM_001438093.1); c.1825-4C>G (NM_001438091.1); c.1708-4C>G (NM_001308152.2, NM_001438094.1); c.1822-4C>G (NM_001308153.3).
Identifiers: ClinVar variation 776277 (VCV000776277.10), dbSNP rs58859060, ClinGen allele CA4600600.
Genomic context (GRCh38, chr8:1,905,567, plus strand): 5'-CCTCATCTTTTTCTTTTCCGGGTAAACTGAACTGTGGTCCCTGGGCTGTGTTTTGAATGT[C>G]CAGCTTCTCAGCAGTGGAAGCCGATACCTCATTCGATCAGATGATATGATAGAAACAGTT-3'

ClinVar aggregate classification (germline): Benign. Review status: criteria provided, multiple submitters, no conflicts (2 of 4 stars). 2 submissions from 2 submitters: Benign (2). Last evaluated 2026-07-09.

Conditions:
ARHGEF10-related disorder. Also called: ARHGEF10-related condition.

Allele frequency attached by ClinVar (database versions not stated): 1000 Genomes Project 0.01178; 1000 Genomes Project 30x 0.01234; gnomAD 0.01260 and 0.01352; TOPMed 0.01409; ESP Exome Variant Server 0.01599.
gnomAD v4.1: 3,921 of 1,614,114 alleles (0.24%); highest among the groups gnomAD compares: African/African-American, 4.5%; 71 homozygotes.

Submissions (2):

PreventionGenetics, part of Exact Sciences
Classification: Benign for ARHGEF10-related condition. Last evaluated: 2026-07-09. Review status: criteria provided, single submitter. Criteria: ACMG Guidelines, 2015. Collection method: clinical testing. Allele origin: germline.
Comment: This variant is classified as benign based on ACMG/AMP sequence variant interpretation guidelines (Richards et al. 2015 PMID: 25741868, with internal and published modifications).

Labcorp Genetics (formerly Invitae), Labcorp
Classification: Benign. Last evaluated: 2026-02-02. Review status: criteria provided, single submitter. Criteria: Invitae Variant Classification Sherloc (09022015). Collection method: clinical testing. Allele origin: germline.